The following is an entry in ClinVar:

ClinVar aggregate classification (germline): Uncertain significance (1 of 4 stars; one submission).

Submission:

Athena Diagnostics
Classification: Uncertain significance. Last evaluated: 2024-11-08. Review status: criteria provided, single submitter. Criteria: Athena Diagnostics Criteria. Collection method: clinical testing. Allele origin: unknown.
Comment: Available data are insufficient to determine the clinical significance of the variant at this time. This variant has not been reported in large, multi-ethnic general populations. Computational tools yielded predictions that this variant is unlikely to have an effect on normal RNA splicing.

NM_006158.5(NEFL):c.81C>A (p.Ser27=)

Gene: NEFL (neurofilament light chain; minus strand). Cytogenetic location: 8p21.2.
Variant type: single nucleotide variant.
Coding change: c.81C>A on transcript NM_006158.5 (MANE Select); coding-DNA position 81, C replaced by A.
Protein change: p.Ser27=; no amino-acid change (serine 27 retained).
Molecular consequence: synonymous variant.
Genome position (GRCh38, 1-based): chr8:24,956,435, G>T on the plus strand (C>A on the coding strand, the complement: NEFL is on the minus strand). VCF-style: chr8-24956435-G-T. GRCh37 (hg19) VCF-style: chr8-24813949-G-T.
Identifiers: ClinVar variation 3571753 (VCV003571753.1).
Genomic context (GRCh38, chr8:24,956,435, plus strand): 5'-CACCGGCGCCGAGTAGCTGGAGTAAGCTGAGCGTGCGGTGCTGTAGCCGCTGCGCACGCT[G>T]GAGATGTGCACCCGGGGCGTCTCCACGTAGCGCCGCTTGTAGGAGGTCGAGTAGTACGGC-3'
Protein context (NP_006149.2, residues 17-37): RYVETPRVHI[Ser27=]SVRSGYSTAR